The following is an entry in ClinVar:

ClinVar aggregate classification (germline): Conflicting classifications of pathogenicity. Review status: criteria provided, conflicting classifications (1 of 4 stars). 4 submissions from 4 submitters: Uncertain significance (2); Likely benign (1). 1 of the submissions does not count toward it. Last evaluated 2024-09-21.

Conditions:
Schaaf-Yang syndrome (SHFYNG). Also called: MAGEL2-related Prader-Willi-like syndrome; Arthrogryposis, distal, with hypopituitarism, intellectual disability, and facial anomalies. Identifiers: Orphanet 398069, MedGen C5575066, MONDO:0014243, OMIM 615547.
MAGEL2-related disorder. Also called: MAGEL2-related condition.
Inborn genetic diseases. Identifiers: MedGen C0950123, MeSH D030342.

gnomAD v4.1: 12 of 1,613,720 alleles (0.00074%); highest among the groups gnomAD compares: South Asian, 0.0044%; no homozygotes.

Submissions (4):

Labcorp Genetics (formerly Invitae), Labcorp
Classification: Uncertain significance. Last evaluated: 2024-09-21. Review status: criteria provided, single submitter. Criteria: Invitae Variant Classification Sherloc (09022015). Collection method: clinical testing. Allele origin: germline.
Comment: This sequence change replaces alanine, which is neutral and non-polar, with threonine, which is neutral and polar, at codon 1221 of the MAGEL2 protein (p.Ala1221Thr). This variant is present in population databases (rs779840896, gnomAD 0.01%). This variant has not been reported in the literature in individuals affected with MAGEL2-related conditions. ClinVar contains an entry for this variant (Variation ID: 1701775). Invitae Evidence Modeling of protein sequence and biophysical properties (such as structural, functional, and spatial information, amino acid conservation, physicochemical variation, residue mobility, and thermodynamic stability) indicates that this missense variant is not expected to disrupt MAGEL2 protein function with a negative predictive value of 80%. In summary, the available evidence is currently insufficient to determine the role of this variant in disease. Therefore, it has been classified as a Variant of Uncertain Significance.

Ambry Genetics
Classification: Likely benign for Inborn genetic diseases. Last evaluated: 2023-05-23. Review status: criteria provided, single submitter. Criteria: Ambry Variant Classification Scheme 2023. Collection method: clinical testing. Allele origin: germline.

New York Genome Center
Classification: Uncertain significance for Schaaf-Yang syndrome. Last evaluated: 2021-08-27. Review status: criteria provided, single submitter. Criteria: NYGC Assertion Criteria 2020. Collection method: clinical testing. Allele origin: germline. Observed: 1 heterozygote. Study: CSER-NYCKidSeq.

PreventionGenetics, part of Exact Sciences
Classification: Uncertain significance for MAGEL2-related condition. Last evaluated: 2023-12-21. Review status: no assertion criteria provided. Collection method: clinical testing. Allele origin: germline. Not counted in ClinVar's aggregate classification.
Comment: The MAGEL2 c.3661G>A variant is predicted to result in the amino acid substitution p.Ala1221Thr. To our knowledge, this variant has not been reported in the literature. This variant is reported in 0.0099% of alleles in individuals of Ashkenazi Jewish descent in gnomAD. At this time, the clinical significance of this variant is uncertain due to the absence of conclusive functional and genetic evidence.

NM_019066.5(MAGEL2):c.3661G>A (p.Ala1221Thr)

Gene: MAGEL2 (MAGE family member L2; minus strand). Cytogenetic location: 15q11.2.
Variant type: single nucleotide variant.
Coding change: c.3661G>A on transcript NM_019066.5 (MANE Select); coding-DNA position 3661, G replaced by A.
Protein change: p.Ala1221Thr; replaces alanine 1221 with threonine.
Molecular consequence: missense variant.
Genome position (GRCh38, 1-based): chr15:23,644,082, C>T on the plus strand (G>A on the coding strand, the complement: MAGEL2 is on the minus strand). VCF-style: chr15-23644082-C-T. GRCh37 (hg19) VCF-style: chr15-23889229-C-T.
Other names: c.3661G>A (NM_019066.4); short protein forms A1221T.
Identifiers: ClinVar variation 1701775 (VCV001701775.6), dbSNP rs779840896, ClinGen allele CA7429662.